The following is an entry in ClinVar:

NM_001905.4(CTPS1):c.1329G>C (p.Gln443His)

Genes: CTPS1 (CTP synthase 1; plus strand), LOC126805717 (MED14-independent group 3 enhancer GRCh37_chr1:41472557-41473756; plus strand). Cytogenetic location: 1p34.2.
Variant type: single nucleotide variant.
Coding change: c.1329G>C on transcript NM_001905.4 (MANE Select); coding-DNA position 1329, G replaced by C.
Protein change: p.Gln443His; replaces glutamine 443 with histidine.
Molecular consequence: missense variant. On other transcripts: non-coding transcript variant (1).
Genome position (GRCh38, 1-based): chr1:41,007,481, G>C. VCF-style: chr1-41007481-G-C. GRCh37 (hg19) VCF-style: chr1-41473153-G-C.
Other names: c.861G>C, p.Gln287His (NM_001301237.2); short protein forms Q443H, Q287H.
Identifiers: ClinVar variation 4753369 (VCV004753369.1).

ClinVar aggregate classification (germline): Uncertain significance (1 of 4 stars; one submission).

Conditions:
Combined immunodeficiency due to CTPS1 deficiency. Also called: Immunodeficiency 24; Severe combined immunodeficiency due to CTPS1 deficiency. Identifiers: Orphanet 420573, MedGen C4014617, MONDO:0014391, OMIM 615897.

gnomAD v4.1: 38 of 1,614,032 alleles (0.0024%); highest among the groups gnomAD compares: Non-Finnish European, 0.0029%; no homozygotes.

Submission:

Labcorp Genetics (formerly Invitae), Labcorp
Classification: Uncertain significance for Combined immunodeficiency due to CTPS1 deficiency. Last evaluated: 2025-12-21. Review status: criteria provided, single submitter. Criteria: Invitae Variant Classification Sherloc (09022015). Collection method: clinical testing. Allele origin: germline.
Comment: This sequence change replaces glutamine, which is neutral and polar, with histidine, which is basic and polar, at codon 443 of the CTPS1 protein (p.Gln443His). This variant is present in population databases (rs377749147, gnomAD 0.0009%). This variant has not been reported in the literature in individuals affected with CTPS1-related conditions. An algorithm developed to predict the effect of missense changes on protein structure and function (PolyPhen-2) suggests that this variant is likely to be tolerated. In summary, the available evidence is currently insufficient to determine the role of this variant in disease. Therefore, it has been classified as a Variant of Uncertain Significance.